The following is an entry in ClinVar:

ClinVar aggregate classification (germline): Uncertain significance (1 of 4 stars; one submission).

Conditions:
Hereditary sensory and autonomic neuropathy type 1 (HSAN1). Also called: HSAN 1; HSN Type I; Hereditary Sensory Neuropathy Type I. Identifiers: Orphanet 36386, MedGen C0020071, MONDO:0018213.

Allele frequency attached by ClinVar (database versions not stated): gnomAD 0.00001; ExAC 0.00002; gnomAD exomes 0.00001.
gnomAD v4.1: 5 of 1,614,000 alleles (0.00031%); highest among the groups gnomAD compares: Non-Finnish European, 0.00042%; no homozygotes.

Submission:

Labcorp Genetics (formerly Invitae), Labcorp
Classification: Uncertain significance for Hereditary sensory and autonomic neuropathy type 1. Last evaluated: 2024-06-03. Review status: criteria provided, single submitter. Criteria: Invitae Variant Classification Sherloc (09022015). Collection method: clinical testing. Allele origin: germline.
Comment: This sequence change replaces isoleucine, which is neutral and non-polar, with valine, which is neutral and non-polar, at codon 206 of the SPTLC1 protein (p.Ile206Val). This variant is present in population databases (rs749175480, gnomAD 0.002%). This variant has not been reported in the literature in individuals affected with SPTLC1-related conditions. ClinVar contains an entry for this variant (Variation ID: 566564). Advanced modeling of protein sequence and biophysical properties (such as structural, functional, and spatial information, amino acid conservation, physicochemical variation, residue mobility, and thermodynamic stability) performed at Invitae indicates that this missense variant is not expected to disrupt SPTLC1 protein function with a negative predictive value of 80%. In summary, the available evidence is currently insufficient to determine the role of this variant in disease. Therefore, it has been classified as a Variant of Uncertain Significance.

NM_006415.4(SPTLC1):c.616A>G (p.Ile206Val)

Gene: SPTLC1 (serine palmitoyltransferase long chain base subunit 1; minus strand). Cytogenetic location: 9q22.31.
Variant type: single nucleotide variant.
Coding change: c.616A>G on transcript NM_006415.4 (MANE Select); coding-DNA position 616, A replaced by G.
Protein change: p.Ile206Val; replaces isoleucine 206 with valine.
Molecular consequence: missense variant.
Genome position (GRCh38, 1-based): chr9:92,059,253, T>C on the plus strand (A>G on the coding strand, the complement: SPTLC1 is on the minus strand). VCF-style: chr9-92059253-T-C. GRCh37 (hg19) VCF-style: chr9-94821535-T-C.
Other names: c.616A>G, p.Ile206Val (NM_001281303.2); c.250A>G, p.Ile84Val (NM_001368272.1); c.151A>G, p.Ile51Val (NM_001368273.1); short protein forms I206V, I51V, I84V.
Identifiers: ClinVar variation 566564 (VCV000566564.8), dbSNP rs749175480, ClinGen allele CA5121491.